The following is an entry in ClinVar:

NM_145068.4(TRPV3):c.1645G>A (p.Ala549Thr)

Gene: TRPV3 (transient receptor potential cation channel subfamily V member 3; minus strand). Cytogenetic location: 17p13.2.
Variant type: single nucleotide variant.
Coding change: c.1645G>A on transcript NM_145068.4 (MANE Select); coding-DNA position 1645, G replaced by A.
Protein change: p.Ala549Thr; replaces alanine 549 with threonine.
Molecular consequence: missense variant.
Genome position (GRCh38, 1-based): chr17:3,524,296, C>T on the plus strand (G>A on the coding strand, the complement: TRPV3 is on the minus strand). VCF-style: chr17-3524296-C-T. GRCh37 (hg19) VCF-style: chr17-3427590-C-T.
Other names: c.1645G>A, p.Ala549Thr (NM_001258205.2); short protein forms A549T.
Identifiers: ClinVar variation 2919231 (VCV002919231.2), dbSNP rs775307313, ClinGen allele CA8289371.

ClinVar aggregate classification (germline): Uncertain significance (1 of 4 stars; one submission).

Allele frequency attached by ClinVar (database versions not stated): gnomAD 0.00003; TOPMed 0.00003.
gnomAD v4.1: 55 of 1,614,104 alleles (0.0034%); highest among the groups gnomAD compares: Middle Eastern, 0.016%; no homozygotes.

Submission:

Labcorp Genetics (formerly Invitae), Labcorp
Classification: Uncertain significance. Last evaluated: 2023-05-25. Review status: criteria provided, single submitter. Criteria: Invitae Variant Classification Sherloc (09022015). Collection method: clinical testing. Allele origin: germline.
Comment: In summary, the available evidence is currently insufficient to determine the role of this variant in disease. Therefore, it has been classified as a Variant of Uncertain Significance. An algorithm developed to predict the effect of missense changes on protein structure and function (PolyPhen-2) suggests that this variant¬¨‚Ä†is likely to be tolerated. This variant has not been reported in the literature in individuals affected with TRPV3-related conditions. This variant is present in population databases (rs775307313, gnomAD 0.02%). This sequence change replaces alanine, which is neutral and non-polar, with threonine, which is neutral and polar, at codon 549 of the TRPV3 protein (p.Ala549Thr).